The following is an entry in ClinVar:

ClinVar aggregate classification (germline): Uncertain significance (1 of 4 stars; one submission).

Conditions:
Glycogen storage disease, type II (IOPD). Also called: Pompe Disease; CARDIOMEGALIA GLYCOGENICA DIFFUSA; GLYCOGENOSIS, GENERALIZED, CARDIAC FORM; GSD II; POMPE DISEASE, INFANTILE-ONSET; GLYCOGEN STORAGE DISEASE II, INFANTILE-ONSET. Identifiers: Orphanet 365, MedGen C0017921, MONDO:0009290, OMIM 232300.

Submission:

Genomenon, Inc
Classification: Uncertain significance for Glycogen storage disease, type II. Last evaluated: 2026-07-01. Review status: criteria provided, single submitter. Criteria: Genomenon Sequence Variant Interpretation Standards - Updated. Collection method: curation. Allele origin: germline. Affected: no.
Comment: GAA p.Gly147Ser (c.439G>A) is a missense variant that changes the amino acid at codon 147 from Glycine to Serine. This variant has been reported in the published literature (PMID:34922579). It is absent or not present at a significant frequency in gnomAD. In silico models predict that this variant is possibly or probably damaging. In conclusion, we classify GAA p.Gly147Ser (c.439G>A) as a variant of uncertain significance.

Literature cited by the submitters: PubMed 34922579.

NM_000152.5(GAA):c.439G>A (p.Gly147Ser)

Gene: GAA (alpha glucosidase; plus strand). Cytogenetic location: 17q25.3.
Variant type: single nucleotide variant.
Coding change: c.439G>A on transcript NM_000152.5 (MANE Select); coding-DNA position 439, G replaced by A.
Protein change: p.Gly147Ser; replaces glycine 147 with serine.
Molecular consequence: missense variant.
Genome position (GRCh38, 1-based): chr17:80,105,025, G>A. VCF-style: chr17-80105025-G-A. GRCh37 (hg19) VCF-style: chr17-78078824-G-A.
Other names: c.439G>A, p.Gly147Ser (NM_001079803.3, NM_001079804.3, NM_001406741.1 and 1 more transcripts); short protein forms G147S.
Identifiers: ClinVar variation 4876502 (VCV004876502.1).